The following is an entry in ClinVar:

NM_004333.6(BRAF):c.658GAA[1] (p.Glu221del)

Gene: BRAF (B-Raf proto-oncogene, serine/threonine kinase; minus strand). Cytogenetic location: 7q34.
Variant type: Microsatellite.
Coding change: c.658GAA[1] on transcript NM_004333.6 (MANE Select); one copy of the 3-base unit GAA starting at c.658; the reference has two copies in a row; one copy, 3 bases deleted; also written c.661_663del.
Protein change: p.Glu221del; deletes glutamic acid 221.
Molecular consequence: inframe indel (on NM_004333.4).
Genome position (GRCh38, 1-based): chr7:140,808,008-140,808,010, TTC deleted on the plus strand (GAA on the coding strand, the reverse complement: BRAF is on the minus strand); deleting any 3 consecutive bases within chr7:140,808,008-140,808,014 gives the same sequence; the position shown is the placement nearest the transcript's 3' end. VCF-style (leftmost placement, unchanged base first): chr7-140808007-ATTC-A. GRCh37 (hg19) VCF-style: chr7-140507807-ATTC-A.
Other names: c.658GAA[1], p.Glu221del (NM_001354609.2, NM_001374244.1, NM_001374258.1 and 4 more transcripts); c.667GAA[1], p.Glu224del (NM_001378467.1); c.556GAA[1], p.Glu187del (NM_001378470.1); c.502GAA[1], p.Glu169del (NM_001378472.1, NM_001378473.1); c.394GAA[1], p.Glu133del (NM_001378475.1); c.657_659AGA[1], p.Glu221del (NM_004333.4); c.661_663del (NM_004333.4); short protein forms E187del, E169del, E133del, E221del, E224del.
Identifiers: ClinVar variation 4055997 (VCV004055997.1).

ClinVar aggregate classification (germline): Uncertain significance (1 of 4 stars; one submission).

Submission:

GeneDx
Classification: Uncertain significance. Last evaluated: 2025-01-04. Review status: criteria provided, single submitter. Criteria: GeneDx Variant Classification Process June 2021. Collection method: clinical testing. Allele origin: germline. Affected: yes.
Comment: In-frame deletion of 1 amino acid(s) in a non-repeat region; Not observed at significant frequency in large population cohorts (gnomAD); In silico analysis supports a deleterious effect on protein structure/function; Has not been previously published as pathogenic or benign to our knowledge; This variant is associated with the following publications: (PMID: 29493581)